The following is an entry in ClinVar:

NM_005850.5(SF3B4):c.361A>T (p.Ser121Cys)

Gene: SF3B4 (splicing factor 3b subunit 4; minus strand). Cytogenetic location: 1q21.2.
Variant type: single nucleotide variant.
Coding change: c.361A>T on transcript NM_005850.5 (MANE Select); coding-DNA position 361, A replaced by T.
Protein change: p.Ser121Cys; replaces serine 121 with cysteine.
Molecular consequence: missense variant.
Genome position (GRCh38, 1-based): chr1:149,926,721, T>A on the plus strand (A>T on the coding strand, the complement: SF3B4 is on the minus strand). VCF-style: chr1-149926721-T-A. GRCh37 (hg19) VCF-style: chr1-149898613-T-A.
Other names: short protein forms S121C.
Identifiers: ClinVar variation 3371613 (VCV003371613.1).

ClinVar aggregate classification (germline): Uncertain significance (1 of 4 stars; one submission).

Submission:

GeneDx
Classification: Uncertain significance. Last evaluated: 2024-03-25. Review status: criteria provided, single submitter. Criteria: GeneDx Variant Classification Process June 2021. Collection method: clinical testing. Allele origin: germline. Affected: yes.
Comment: Not observed at significant frequency in large population cohorts (gnomAD); In silico analysis supports that this missense variant has a deleterious effect on protein structure/function; Has not been previously published as pathogenic or benign to our knowledge